The following is an entry in ClinVar:

NM_000271.5(NPC1):c.1947+8_1947+11dup

Gene: NPC1 (NPC intracellular cholesterol transporter 1; minus strand). Cytogenetic location: 18q11.2.
Variant type: Duplication.
Coding change: c.1947+8_1947+11dup on transcript NM_000271.5 (MANE Select); bases 8 to 11 of the intron after coding-DNA position 1947, 4 bases duplicated (GGGG; older notation c.1947+8_1947+11dupGGGG).
Molecular consequence: intron variant.
Genome position (GRCh38, 1-based): chr18:23,544,944-23,544,947, CCCC duplicated on the plus strand (GGGG on the coding strand, the reverse complement: NPC1 is on the minus strand); duplicating any 4 consecutive bases within chr18:23,544,944-23,544,952 gives the same sequence; the c. name uses the placement nearest the transcript's 3' end. VCF-style (leftmost placement, unchanged base first): chr18-23544943-A-ACCCC. GRCh37 (hg19) VCF-style: chr18-21124907-A-ACCCC.
Other names: p.?; c.1947+13_1947+16dup (NM_000271.5).
Identifiers: ClinVar variation 92703 (VCV000092703.21), dbSNP rs3837910, ClinGen allele CA145954.

ClinVar aggregate classification (germline): Benign/Likely benign. Review status: criteria provided, multiple submitters, no conflicts (2 of 4 stars). 11 submissions from 8 submitters: Benign (2); Likely benign (2). 7 of the submissions do not count toward it. Last evaluated 2026-02-04.

Conditions:
NPC1-related disorder. Also called: NPC1-related condition.
Niemann-Pick disease, type C1. Also called: NIEMANN-PICK DISEASE, VARIANT TYPE C1; NEUROVISCERAL STORAGE DISEASE WITH VERTICAL SUPRANUCLEAR OPHTHALMOPLEGIA; NIEMANN-PICK DISEASE WITH CHOLESTEROL ESTERIFICATION BLOCK; NIEMANN-PICK DISEASE WITHOUT SPHINGOMYELINASE DEFICIENCY; NIEMANN-PICK DISEASE, CHRONIC NEURONOPATHIC FORM. Identifiers: Orphanet 646, MedGen C3179455, MONDO:0009757, OMIM 257220.

Submissions (11):

Labcorp Genetics (formerly Invitae), Labcorp
Classification: Likely benign for Niemann-Pick disease, type C1. Last evaluated: 2026-02-04. Review status: criteria provided, single submitter. Criteria: Invitae Variant Classification Sherloc (09022015). Collection method: clinical testing. Allele origin: germline.

Mayo Clinic Laboratories, Mayo Clinic
Classification: Likely benign. Last evaluated: 2025-10-03. Review status: criteria provided, single submitter. Criteria: ACMG Guidelines, 2015. Collection method: clinical testing. Allele origin: germline. Observed: 45 variant alleles.
Comment: BP4, BP7

Genome Diagnostics Laboratory, University Medical Center Utrecht
Classification: Benign for Niemann-Pick disease, type C1. Last evaluated: 2016-06-06. Review status: criteria provided, single submitter. Criteria: ACGS Guidelines, 2013. Collection method: clinical testing. Allele origin: germline. Affected: yes. Study: VKGL Data-share Consensus.

Clinical Genetics DNA and cytogenetics Diagnostics Lab, Erasmus MC, Erasmus Medical Center
Classification: Benign for Niemann-Pick disease, type C1. Last evaluated: 2015-09-21. Review status: criteria provided, single submitter. Criteria: ACGS Guidelines, 2013. Collection method: clinical testing. Allele origin: germline. Affected: yes. Study: VKGL Data-share Consensus.

PreventionGenetics, part of Exact Sciences
Classification: Likely benign for NPC1-related condition. Last evaluated: 2023-09-15. Review status: no assertion criteria provided. Collection method: clinical testing. Allele origin: germline. Not counted in ClinVar's aggregate classification.
Comment: This variant is classified as likely benign based on ACMG/AMP sequence variant interpretation guidelines (Richards et al. 2015 PMID: 25741868, with internal and published modifications).

Genome Diagnostics Laboratory, Amsterdam University Medical Center
Classification: Likely benign for Niemann-Pick disease, type C1. Last evaluated: 2017-05-22. Review status: no assertion criteria provided. Criteria: ACGS Guidelines, 2013. Collection method: clinical testing. Allele origin: germline. Affected: yes. Study: VKGL Data-share Consensus. Not counted in ClinVar's aggregate classification.

Eurofins Ntd Llc (ga)
Classification: Benign for AllHighlyPenetrant. Last evaluated: 2013-04-05. Review status: no assertion criteria provided. Collection method: clinical testing. Allele origin: germline. Observed: 13 variant alleles, 4 heterozygotes, 9 homozygotes. Not counted in ClinVar's aggregate classification.

Clinical Genetics DNA and cytogenetics Diagnostics Lab, Erasmus MC, Erasmus Medical Center
Classification: Benign. Review status: no assertion criteria provided. Collection method: clinical testing. Allele origin: germline. Affected: yes. Study: VKGL Data-share Consensus. Not counted in ClinVar's aggregate classification.

Clinical Genetics, Academic Medical Center
Classification: Likely benign. Review status: no assertion criteria provided. Collection method: clinical testing. Allele origin: germline. Affected: yes. Study: VKGL Data-share Consensus. Not counted in ClinVar's aggregate classification.

Genome Diagnostics Laboratory, Amsterdam University Medical Center
Classification: Benign. Review status: no assertion criteria provided. Collection method: clinical testing. Allele origin: germline. Affected: yes. Study: VKGL Data-share Consensus. Not counted in ClinVar's aggregate classification.

Genome Diagnostics Laboratory, University Medical Center Utrecht
Classification: Benign. Review status: no assertion criteria provided. Collection method: clinical testing. Allele origin: germline. Affected: yes. Study: VKGL Data-share Consensus. Not counted in ClinVar's aggregate classification.

Literature cited by the submitters: PubMed 23757202 (cited by Eurofins Ntd Llc (ga)).